The following is an entry in ClinVar:

NM_014845.6(FIG4):c.793C>T (p.Arg265Ter)

Gene: FIG4 (FIG4 phosphoinositide 5-phosphatase; plus strand). Cytogenetic location: 6q21.
Variant type: single nucleotide variant.
Coding change: c.793C>T on transcript NM_014845.6 (MANE Select); coding-DNA position 793, C replaced by T.
Protein change: p.Arg265Ter; replaces arginine 265 with a stop codon.
Molecular consequence: nonsense.
Genome position (GRCh38, 1-based): chr6:109,741,461, C>T. VCF-style: chr6-109741461-C-T. GRCh37 (hg19) VCF-style: chr6-110062664-C-T.
Other names: p.Arg265*; short protein forms R265*.
Identifiers: ClinVar variation 488991 (VCV000488991.24), dbSNP rs774294963, ClinGen allele CA3955913.

ClinVar aggregate classification (germline): Pathogenic/Likely pathogenic. Review status: criteria provided, multiple submitters, no conflicts (2 of 4 stars). 9 submissions from 9 submitters: Pathogenic (8); Likely pathogenic (1). Last evaluated 2025-10-18.

Conditions:
Charcot-Marie-Tooth disease type 4J (CMT4J). Also called: Charcot-Marie-Tooth Neuropathy Type 4J; CHARCOT-MARIE-TOOTH DISEASE, DEMYELINATING, TYPE 4J; CHARCOT-MARIE-TOOTH DISEASE, AUTOSOMAL RECESSIVE, TYPE 4J. Identifiers: Orphanet 139515, MedGen C1970011, MONDO:0012640, OMIM 611228.
FIG4-related disorder. Also called: FIG4-related condition; FIG4-related disorders.
Charcot-Marie-Tooth disease type 4. Also called: Charcot-Marie-Tooth, Type 4; Charcot-Marie-Tooth disease, type IV. Identifiers: Orphanet 64749, MedGen C4082197, MONDO:0018995.
Inborn genetic diseases. Identifiers: MedGen C0950123, MeSH D030342.

Allele frequency attached by ClinVar (database versions not stated): gnomAD 0.00001 and 0.00006; TOPMed 0.00017.
gnomAD v4.1: 15 of 1,611,928 alleles (0.00093%); highest among the groups gnomAD compares: Middle Eastern, 0.016%; no homozygotes.

Submissions (9):

Dasa
Classification: Pathogenic. Last evaluated: 2025-10-18. Review status: criteria provided, single submitter. Criteria: DASA Assertion Criteria. Collection method: clinical testing. Allele origin: germline.
Comment: NM_014845.6(FIG4):c.793C>T (p.Arg265*) introduces a premature termination codon predicted to result in loss of normal protein function. Loss-of-function is an established mechanism of disease for this gene. This variant has been observed in affected individuals with related phenotype in a genotype context consistent with recessive disease (PMID: 27549087; PMID: 31589614). This variant has been recurrently observed in individuals with related phenotype (PMID: 27549087; PMID: 31589614). The variant is present at low frequency in population datasets. Based on the available data, this variant is classified as pathogenic.

Labcorp Genetics (formerly Invitae), Labcorp
Classification: Pathogenic for Charcot-Marie-Tooth disease type 4. Last evaluated: 2025-05-19. Review status: criteria provided, single submitter. Criteria: Invitae Variant Classification Sherloc (09022015). Collection method: clinical testing. Allele origin: germline.
Comment: This sequence change creates a premature translational stop signal (p.Arg265*) in the FIG4 gene. It is expected to result in an absent or disrupted protein product. Loss-of-function variants in FIG4 are known to be pathogenic (PMID: 23623387, 30740813). This variant is present in population databases (rs774294963, gnomAD 0.003%). This premature translational stop signal has been observed in individual(s) with inherited peripheral neuropathy (PMID: 27549087). ClinVar contains an entry for this variant (Variation ID: 488991). Algorithms developed to predict the effect of sequence changes on RNA splicing suggest that this variant may disrupt the consensus splice site. For these reasons, this variant has been classified as Pathogenic.

Genomic Medicine Center of Excellence, King Faisal Specialist Hospital and Research Centre
Classification: Pathogenic for Charcot-Marie-Tooth disease type 4J. Last evaluated: 2024-03-29. Review status: criteria provided, single submitter. Criteria: ACMG Guidelines, 2015. Collection method: clinical testing. Allele origin: germline.

Mayo Clinic Laboratories, Mayo Clinic
Classification: Pathogenic. Last evaluated: 2023-09-26. Review status: criteria provided, single submitter. Criteria: ACMG Guidelines, 2015. Collection method: clinical testing. Allele origin: germline.
Comment: PM2_moderate, PM3, PVS1

Blueprint Genetics
Classification: Likely pathogenic for FIG4-related disorders. Last evaluated: 2022-05-24. Review status: criteria provided, single submitter. Criteria: ACMG Guidelines, 2015. Collection method: clinical testing. Allele origin: germline. Affected: yes. Observed: 3 variant alleles.

Athena Diagnostics
Classification: Pathogenic. Last evaluated: 2021-03-22. Review status: criteria provided, single submitter. Criteria: Athena Diagnostics criteria. Collection method: clinical testing. Allele origin: unknown.
Comment: This variant is expected to result in the loss of a functional protein. The frequency of this variant in the general population is consistent with pathogenicity. This variant has been identified in at least one individual with clinical features associated with this gene.

GeneDx
Classification: Pathogenic. Last evaluated: 2020-06-23. Review status: criteria provided, single submitter. Criteria: GeneDx Variant Classification Process June 2021. Collection method: clinical testing. Allele origin: germline. Affected: yes.
Comment: Nonsense variant predicted to result in protein truncation or nonsense mediated decay in a gene for which loss-of-function is a known mechanism of disease; Not observed at a significant frequency in large population cohorts (Lek et al., 2016); This variant is associated with the following publications: (PMID: 27549087, 31589614)

Ambry Genetics
Classification: Pathogenic for Inborn genetic diseases. Last evaluated: 2019-11-28. Review status: criteria provided, single submitter. Criteria: Ambry Variant Classification Scheme 2023. Collection method: clinical testing. Allele origin: germline.
Comment: The p.R265* pathogenic mutation (also known as c.793C>T), located in coding exon 8 of the FIG4 gene, results from a C to T substitution at nucleotide position 793. This changes the amino acid from an arginine to a stop codon within coding exon 8. This alteration is expected to result in loss of function by premature protein truncation or nonsense-mediated mRNA decay. As such, this alteration is interpreted as a disease-causing mutation.

Revvity Omics, Revvity
Classification: Pathogenic. Last evaluated: 2019-11-13. Review status: criteria provided, single submitter. Criteria: ACMG Guidelines, 2015. Collection method: clinical testing. Allele origin: germline.

Literature cited by the submitters: PubMed 27549087 (cited by 4 submitters); PubMed 31589614 (cited by Dasa); PubMed 23623387 (cited by Labcorp Genetics (formerly Invitae), Labcorp and Mayo Clinic Laboratories, Mayo Clinic); PubMed 30740813 (cited by Labcorp Genetics (formerly Invitae), Labcorp).